The following is an entry in ClinVar:

NM_004153.4(ORC1):c.665G>A (p.Arg222His)

Gene: ORC1 (origin recognition complex subunit 1; minus strand). Cytogenetic location: 1p32.3.
Variant type: single nucleotide variant.
Coding change: c.665G>A on transcript NM_004153.4 (MANE Select); coding-DNA position 665, G replaced by A.
Protein change: p.Arg222His; replaces arginine 222 with histidine.
Molecular consequence: missense variant.
Genome position (GRCh38, 1-based): chr1:52,396,102, C>T on the plus strand (G>A on the coding strand, the complement: ORC1 is on the minus strand). VCF-style: chr1-52396102-C-T. GRCh37 (hg19) VCF-style: chr1-52861774-C-T.
Other names: c.665G>A, p.Arg222His (NM_001190818.2, NM_001190819.2); short protein forms R222H.
Identifiers: ClinVar variation 2181321 (VCV002181321.3), dbSNP rs768606917, ClinGen allele CA853543.

ClinVar aggregate classification (germline): Uncertain significance (1 of 4 stars; one submission).

Allele frequency attached by ClinVar (database versions not stated): gnomAD 0.00001; ExAC 0.00009.
gnomAD v4.1: 37 of 1,614,032 alleles (0.0023%); highest among the groups gnomAD compares: Admixed American, 0.018%; no homozygotes.

Submission:

Labcorp Genetics (formerly Invitae), Labcorp
Classification: Uncertain significance. Last evaluated: 2025-02-10. Review status: criteria provided, single submitter. Criteria: Invitae Variant Classification Sherloc (09022015). Collection method: clinical testing. Allele origin: germline.
Comment: This sequence change replaces arginine, which is basic and polar, with histidine, which is basic and polar, at codon 222 of the ORC1 protein (p.Arg222His). This variant is present in population databases (rs768606917, gnomAD 0.03%). This variant has not been reported in the literature in individuals affected with ORC1-related conditions. ClinVar contains an entry for this variant (Variation ID: 2181321). Invitae Evidence Modeling of protein sequence and biophysical properties (such as structural, functional, and spatial information, amino acid conservation, physicochemical variation, residue mobility, and thermodynamic stability) indicates that this missense variant is not expected to disrupt ORC1 protein function with a negative predictive value of 80%. In summary, the available evidence is currently insufficient to determine the role of this variant in disease. Therefore, it has been classified as a Variant of Uncertain Significance.